The following is an entry in ClinVar:

ClinVar aggregate classification (germline): Uncertain significance (1 of 4 stars; one submission).

gnomAD v4.1: 1 of 1,613,938 alleles (0.000062%); highest among the groups gnomAD compares: South Asian, 0.0011%; no homozygotes.

Submission:

Labcorp Genetics (formerly Invitae), Labcorp
Classification: Uncertain significance. Last evaluated: 2022-08-09. Review status: criteria provided, single submitter. Criteria: Invitae Variant Classification Sherloc (09022015). Collection method: clinical testing. Allele origin: germline.
Comment: This sequence change replaces glycine, which is neutral and non-polar, with tryptophan, which is neutral and slightly polar, at codon 138 of the SH3PXD2B protein (p.Gly138Trp). This variant is not present in population databases (gnomAD no frequency). This variant has not been reported in the literature in individuals affected with SH3PXD2B-related conditions. ClinVar contains an entry for this variant (Variation ID: 1428926). Algorithms developed to predict the effect of missense changes on protein structure and function are either unavailable or do not agree on the potential impact of this missense change (SIFT: "Deleterious"; PolyPhen-2: "Probably Damaging"; Align-GVGD: "Class C15"). In summary, the available evidence is currently insufficient to determine the role of this variant in disease. Therefore, it has been classified as a Variant of Uncertain Significance.

NM_001017995.3(SH3PXD2B):c.412G>T (p.Gly138Trp)

Gene: SH3PXD2B (SH3 and PX domains 2B; minus strand). Cytogenetic location: 5q35.1.
Variant type: single nucleotide variant.
Coding change: c.412G>T on transcript NM_001017995.3 (MANE Select); coding-DNA position 412, G replaced by T.
Protein change: p.Gly138Trp; replaces glycine 138 with tryptophan.
Molecular consequence: missense variant.
Genome position (GRCh38, 1-based): chr5:172,373,805, C>A on the plus strand (G>T on the coding strand, the complement: SH3PXD2B is on the minus strand). VCF-style: chr5-172373805-C-A. GRCh37 (hg19) VCF-style: chr5-171800809-C-A.
Other names: c.412G>T, p.Gly138Trp (NM_001308175.2); short protein forms G138W.
Identifiers: ClinVar variation 1428926 (VCV001428926.8), dbSNP rs865941777, ClinGen allele CA132176090.